The following is an entry in ClinVar:

ClinVar aggregate classification (germline): Conflicting classifications of pathogenicity. Review status: criteria provided, conflicting classifications (1 of 4 stars). 7 submissions from 7 submitters: Uncertain significance (1); Benign (1); Likely benign (5). Last evaluated 2025-12-27.

Conditions:
CACNB2-related disorder. Also called: CACNB2-related condition.
Cardiovascular phenotype. Identifiers: MedGen CN230736.
Brugada syndrome 4 (BRGDA4). Identifiers: Orphanet 130, MedGen C2678477, MONDO:0012743, OMIM 611876.

Allele frequency attached by ClinVar (database versions not stated): 1000 Genomes Project 30x 0.00031; ESP Exome Variant Server 0.00038; TOPMed 0.00039; 1000 Genomes Project 0.00040.
gnomAD v4.1: 116 of 1,614,020 alleles (0.0072%); highest among the groups gnomAD compares: African/African-American, 0.15%; no homozygotes.

Submissions (7):

Labcorp Genetics (formerly Invitae), Labcorp
Classification: Likely benign for Brugada syndrome 4. Last evaluated: 2025-12-27. Review status: criteria provided, single submitter. Criteria: Invitae Variant Classification Sherloc (09022015). Collection method: clinical testing. Allele origin: germline.

GeneDx
Classification: Uncertain significance. Last evaluated: 2025-10-17. Review status: criteria provided, single submitter. Criteria: GeneDx Variant Classification Process June 2021. Collection method: clinical testing. Allele origin: germline. Affected: yes.
Comment: Has not been previously published as pathogenic or benign to our knowledge; In silico analysis suggests that this missense variant does not alter protein structure/function; Variants in candidate genes are classified as variants of uncertain significance in accordance with ACMG guidelines (PMID: 25741868)

PreventionGenetics, part of Exact Sciences
Classification: Likely benign for CACNB2-related condition. Last evaluated: 2025-05-22. Review status: criteria provided, single submitter. Criteria: ACMG Guidelines, 2015. Collection method: clinical testing. Allele origin: germline.
Comment: This variant is classified as likely benign based on ACMG/AMP sequence variant interpretation guidelines (Richards et al. 2015 PMID: 25741868, with internal and published modifications).

Mayo Clinic Laboratories, Mayo Clinic
Classification: Likely benign. Last evaluated: 2024-12-24. Review status: criteria provided, single submitter. Criteria: ACMG Guidelines, 2015. Collection method: clinical testing. Allele origin: germline. Observed: 2 variant alleles.
Comment: BS1

Blueprint Genetics
Classification: Likely benign. Last evaluated: 2024-07-06. Review status: criteria provided, single submitter. Criteria: ACMG Guidelines, 2015. Collection method: clinical testing. Allele origin: germline.

Ambry Genetics
Classification: Benign for Cardiovascular phenotype. Last evaluated: 2023-07-06. Review status: criteria provided, single submitter. Criteria: Ambry Variant Classification Scheme 2023. Collection method: clinical testing. Allele origin: germline.

Women's Health and Genetics/Laboratory Corporation of America, LabCorp
Classification: Likely benign. Last evaluated: 2022-02-05. Review status: criteria provided, single submitter. Criteria: LabCorp Variant Classification Summary - May 2015. Collection method: clinical testing. Allele origin: germline.

NM_201596.3(CACNB2):c.1670C>G (p.Ser557Trp)

Gene: CACNB2 (calcium voltage-gated channel auxiliary subunit beta 2; plus strand). Cytogenetic location: 10p12.31.
Variant type: single nucleotide variant.
Coding change: c.1670C>G on transcript NM_201596.3 (MANE Select); coding-DNA position 1670, C replaced by G.
Protein change: p.Ser557Trp; replaces serine 557 with tryptophan.
Molecular consequence: missense variant.
Genome position (GRCh38, 1-based): chr10:18,539,411, C>G. VCF-style: chr10-18539411-C-G. GRCh37 (hg19) VCF-style: chr10-18828340-C-G.
Other names: p.Ser503Trp; c.1505C>G, p.Ser502Trp (NM_000724.4); c.1472C>G, p.Ser491Trp (NM_001167945.2); c.1391C>G, p.Ser464Trp (NM_001330060.2); c.1526C>G, p.Ser509Trp (NM_201570.3); c.1586C>G, p.Ser529Trp (NM_201571.4); c.1514C>G, p.Ser505Trp (NM_201572.4); c.1508C>G, p.Ser503Trp (NM_201590.3); and 2 more; short protein forms S503W, S557W, S509W, S491W, S464W, S502W, S533W, S505W.
Identifiers: ClinVar variation 264509 (VCV000264509.23), dbSNP rs137886839, ClinGen allele CA5430123.